The following is an entry in ClinVar:

ClinVar aggregate classification (germline): Pathogenic/Likely pathogenic. Review status: criteria provided, multiple submitters, no conflicts (2 of 4 stars). 4 submissions from 4 submitters: Pathogenic (3); Likely pathogenic (1). Last evaluated 2025-05-05.

Conditions:
Galactosemia. Also called: Galactose intolerance. Identifiers: Orphanet 352, MedGen C0016952, MONDO:0018116, HP:0004919. Disease mechanism: loss of function.
Deficiency of UDPglucose-hexose-1-phosphate uridylyltransferase. Also called: GALACTOSE-1-PHOSPHATE URIDYLYLTRANSFERASE DEFICIENCY; GALT deficiency; Galactosemia, classic; Transferase Deficiency Galactosemia; GALACTOSEMIA I. Identifiers: Orphanet 352, Orphanet 79239, MedGen C0268151, MONDO:0009258, OMIM 230400.

Allele frequency attached by ClinVar (database versions not stated): gnomAD exomes below 0.00001.
gnomAD v4.1: 2 of 1,614,172 alleles (0.00012%); highest among the groups gnomAD compares: Non-Finnish European, 0.000085%; no homozygotes.

Submissions (4):

Women's Health and Genetics/Laboratory Corporation of America, LabCorp
Classification: Pathogenic for Deficiency of UDPglucose-hexose-1-phosphate uridylyltransferase. Last evaluated: 2025-05-05. Review status: criteria provided, single submitter. Criteria: LabCorp Variant Classification Summary - May 2015. Collection method: clinical testing. Allele origin: germline.
Comment: Variant summary: GALT c.524G>A (p.Gly175Asp) results in a non-conservative amino acid change in the encoded protein sequence. Algorithms developed to predict the effect of missense changes on protein structure and function all suggest that this variant is likely to be disruptive. The variant was absent in 251496 control chromosomes (gnomAD). c.524G>A has been observed in several individuals affected with Galactosemia (e.g., Gort_2006, Boutron_2012, Coelho_2014). These data indicate that the variant is very likely to be associated with disease. At least one publication reports experimental evidence evaluating an impact on protein function, finding that the variant results in an almost complete loss of enzymatic activity (Coelho_2014). The following publications have been ascertained in the context of this evaluation (PMID: 17486650, 17041746, 22944367, 23749220, 25614870, 25814382). ClinVar contains an entry for this variant (Variation ID: 25203). Based on the evidence outlined above, the variant was classified as pathogenic.

Natera, Inc.
Classification: Pathogenic for Galactosemia. Last evaluated: 2025-04-23. Review status: criteria provided, single submitter. Criteria: Natera Variant Classification Schema (03/2026). Collection method: clinical testing. Allele origin: germline.
Comment: The c.524G>A variant in GALT is a missense variant predicted to cause substitution of glycine to aspartic acid at amino acid 175. This variant is rare in the general population with a frequency below the threshold expected for the associated phenotype(s). This variant has been observed in one or more individuals affected with the associated recessive disease, as either homozygous or compound heterozygous with a second variant (PMID: 23749220, 22944367, 27176039). Additionally, this variant has been observed to segregate in affected family members (PMID: 23749220). Computational prediction algorithms indicate this variant is likely to affect gene or protein function. Given the available evidence, this variant is classified as Pathogenic.

Revvity Omics, Revvity
Classification: Likely pathogenic for Deficiency of UDPglucose-hexose-1-phosphate uridylyltransferase. Last evaluated: 2023-07-06. Review status: criteria provided, single submitter. Criteria: ACMG Guidelines, 2015. Collection method: clinical testing. Allele origin: germline.

ARUP Laboratories, Molecular Genetics and Genomics, ARUP Laboratories
Classification: Pathogenic. Last evaluated: 2017-02-06. Review status: criteria provided, single submitter. Criteria: ARUP Molecular Germline Variant Investigation Process. Collection method: clinical testing. Allele origin: germline.

Literature cited by the submitters: PubMed 17486650 (cited by Women's Health and Genetics/Laboratory Corporation of America, LabCorp); PubMed 17041746 (cited by Women's Health and Genetics/Laboratory Corporation of America, LabCorp); PubMed 22944367 (cited by Women's Health and Genetics/Laboratory Corporation of America, LabCorp and Natera, Inc.); PubMed 23749220 (cited by Women's Health and Genetics/Laboratory Corporation of America, LabCorp and Natera, Inc.); PubMed 25614870 (cited by Women's Health and Genetics/Laboratory Corporation of America, LabCorp); PubMed 25814382 (cited by Women's Health and Genetics/Laboratory Corporation of America, LabCorp); PubMed 27176039 (cited by Natera, Inc.).

NM_000155.4(GALT):c.524G>A (p.Gly175Asp)

Gene: GALT (galactose-1-phosphate uridylyltransferase; plus strand). Cytogenetic location: 9p13.3.
Variant type: single nucleotide variant.
Coding change: c.524G>A on transcript NM_000155.4 (MANE Select); coding-DNA position 524, G replaced by A.
Protein change: p.Gly175Asp; replaces glycine 175 with aspartic acid.
Molecular consequence: missense variant.
Genome position (GRCh38, 1-based): chr9:34,648,131, G>A. VCF-style: chr9-34648131-G-A. GRCh37 (hg19) VCF-style: chr9-34648128-G-A.
Other names: c.197G>A, p.Gly66Asp (NM_001258332.2); c.524G>A (NM_000155.3); short protein forms G66D.
Identifiers: ClinVar variation 25203 (VCV000025203.15), dbSNP rs111033718, ClinGen allele CA259424.